The following is an entry in ClinVar:

NM_000081.4(LYST):c.1759G>A (p.Asp587Asn)

Gene: LYST (lysosomal trafficking regulator; minus strand). Cytogenetic location: 1q42.3.
Variant type: single nucleotide variant.
Coding change: c.1759G>A on transcript NM_000081.4 (MANE Select); coding-DNA position 1759, G replaced by A.
Protein change: p.Asp587Asn; replaces aspartic acid 587 with asparagine.
Molecular consequence: missense variant.
Genome position (GRCh38, 1-based): chr1:235,809,059, C>T on the plus strand (G>A on the coding strand, the complement: LYST is on the minus strand). VCF-style: chr1-235809059-C-T. GRCh37 (hg19) VCF-style: chr1-235972359-C-T.
Other names: c.1759G>A, p.Asp587Asn (NM_001301365.1); short protein forms D587N.
Identifiers: ClinVar variation 1490381 (VCV001490381.3), dbSNP rs777256752, ClinGen allele CA1467405.
Genomic context (GRCh38, chr1:235,809,059, plus strand): 5'-AATTTTTCAGTGCTGGCAATTTAAAAGCATGGAGCAAAGGAATGATTACAGATTTGGGAT[C>T]CATACAACAGCATATTCCAATGTTATGAACACCCGATAGGATCTGGACACAAGTGCTGCT-3'
Protein context (NP_000072.2, residues 577-597): VHNIGICCCM[Asp587Asn]PKSVIIPLLH

ClinVar aggregate classification (germline): Uncertain significance (1 of 4 stars; one submission).

Conditions:
Chédiak-Higashi syndrome (CHS). Also called: Chediak-Higashi Syndrome. Identifiers: Orphanet 167, MedGen C0007965, MONDO:0008963, OMIM 214500.

Allele frequency attached by ClinVar (database versions not stated): ExAC 0.00001; gnomAD 0.00001; gnomAD exomes 0.00001; TOPMed 0.00001.
gnomAD v4.1: 10 of 1,613,920 alleles (0.00062%); highest among the groups gnomAD compares: Non-Finnish European, 0.00076%; no homozygotes.

Submission:

Labcorp Genetics (formerly Invitae), Labcorp
Classification: Uncertain significance for Chédiak-Higashi syndrome. Last evaluated: 2022-08-19. Review status: criteria provided, single submitter. Criteria: Invitae Variant Classification Sherloc (09022015). Collection method: clinical testing. Allele origin: germline.
Comment: This sequence change replaces aspartic acid, which is acidic and polar, with asparagine, which is neutral and polar, at codon 587 of the LYST protein (p.Asp587Asn). This variant is present in population databases (rs777256752, gnomAD 0.0009%). This variant has not been reported in the literature in individuals affected with LYST-related conditions. ClinVar contains an entry for this variant (Variation ID: 1490381). Algorithms developed to predict the effect of missense changes on protein structure and function are either unavailable or do not agree on the potential impact of this missense change (SIFT: "Deleterious"; PolyPhen-2: "Probably Damaging"; Align-GVGD: "Class C0"). In summary, the available evidence is currently insufficient to determine the role of this variant in disease. Therefore, it has been classified as a Variant of Uncertain Significance.